The following is an entry in ClinVar:

ClinVar aggregate classification (germline): Uncertain significance. Review status: criteria provided, multiple submitters, no conflicts (2 of 4 stars). 2 submissions from 2 submitters: Uncertain significance (2). Last evaluated 2025-01-17.

Conditions:
Hereditary cancer-predisposing syndrome. Also called: Neoplastic Syndromes, Hereditary; Tumor predisposition; Hereditary neoplastic syndrome; Hereditary Cancer Syndrome. Identifiers: Orphanet 140162, MedGen C0027672, MeSH D009386, MONDO:0015356.

Submissions (2):

Ambry Genetics
Classification: Uncertain significance for Hereditary cancer-predisposing syndrome. Last evaluated: 2025-01-17. Review status: criteria provided, single submitter. Criteria: Ambry Variant Classification Scheme 2023. Collection method: clinical testing. Allele origin: germline.
Comment: The p.R964G variant (also known as c.2890A>G), located in coding exon 21 of the MSH3 gene, results from an A to G substitution at nucleotide position 2890. The arginine at codon 964 is replaced by glycine, an amino acid with dissimilar properties. This amino acid position is conserved. In addition, this alteration is predicted to be tolerated by in silico analysis. Based on the available evidence, the clinical significance of this variant remains unclear.

Labcorp Genetics (formerly Invitae), Labcorp
Classification: Uncertain significance. Last evaluated: 2021-06-28. Review status: criteria provided, single submitter. Criteria: Invitae Variant Classification Sherloc (09022015). Collection method: clinical testing. Allele origin: germline.
Comment: This sequence change replaces arginine with glycine at codon 964 of the MSH3 protein (p.Arg964Gly). The arginine residue is weakly conserved and there is a moderate physicochemical difference between arginine and glycine. This variant is not present in population databases (ExAC no frequency). This variant has not been reported in the literature in individuals with MSH3-related conditions. Algorithms developed to predict the effect of missense changes on protein structure and function are either unavailable or do not agree on the potential impact of this missense change (SIFT: "Deleterious"; PolyPhen-2: "Benign"; Align-GVGD: "Class C0"). In summary, the available evidence is currently insufficient to determine the role of this variant in disease. Therefore, it has been classified as a Variant of Uncertain Significance.

NM_002439.5(MSH3):c.2890A>G (p.Arg964Gly)

Gene: MSH3 (mutS homolog 3; plus strand). Cytogenetic location: 5q14.1.
Variant type: single nucleotide variant.
Coding change: c.2890A>G on transcript NM_002439.5 (MANE Select); coding-DNA position 2890, A replaced by G.
Protein change: p.Arg964Gly; replaces arginine 964 with glycine.
Molecular consequence: missense variant.
Genome position (GRCh38, 1-based): chr5:80,854,206, A>G. VCF-style: chr5-80854206-A-G. GRCh37 (hg19) VCF-style: chr5-80150025-A-G.
Other names: c.2890A>G (NM_002439.3); short protein forms R964G.
Identifiers: ClinVar variation 1364315 (VCV001364315.9), dbSNP rs1261210128, ClinGen allele CA360275626.
Genomic context (GRCh38, chr5:80,854,206, plus strand): 5'-AATATATATAAAGGACAGAGTACATTTATGGAAGAACTGACTGACACAGCAGAAATAATC[A>G]GAAAAGCAACATCACAGTCCTTGGTTATCTTGGATGAACTAGGAAGAGGGACGAGCACTC-3'
Protein context (NP_002430.3, residues 954-974): EELTDTAEII[Arg964Gly]KATSQSLVIL